The following is an entry in ClinVar:

ClinVar aggregate classification (germline): Benign/Likely benign. Review status: criteria provided, multiple submitters, no conflicts (2 of 4 stars). 4 submissions from 4 submitters: Benign (1); Likely benign (2). 1 of the submissions does not count toward it. Last evaluated 2025-10-19.

Conditions:
Charcot-Marie-Tooth disease type 2. Also called: Charcot-Marie-Tooth type 2. Identifiers: Orphanet 64746, MedGen C0270914, MONDO:0018993.
KIF1B-related disorder. Also called: KIF1B-related condition.

Allele frequency attached by ClinVar (database versions not stated): gnomAD exomes 0.00003 and 0.00008; ExAC 0.00006; 1000 Genomes Project 30x 0.00016; ESP Exome Variant Server 0.00031; gnomAD 0.00035 and 0.00038; TOPMed 0.00049.

Submissions (4):

Labcorp Genetics (formerly Invitae), Labcorp
Classification: Likely benign for Charcot-Marie-Tooth disease type 2. Last evaluated: 2025-10-19. Review status: criteria provided, single submitter. Criteria: Invitae Variant Classification Sherloc (09022015). Collection method: clinical testing. Allele origin: germline.

CeGaT Center for Human Genetics Tuebingen
Classification: Likely benign. Last evaluated: 2025-06-01. Review status: criteria provided, single submitter. Criteria: CeGaT Center For Human Genetics Tuebingen Variant Classification Criteria Version 2. Collection method: clinical testing. Allele origin: germline. Affected: yes. Observed: 1 variant allele.
Comment: KIF1B: BP4, BP7, BS1

Ambry Genetics
Classification: Benign. Last evaluated: 2020-08-19. Review status: criteria provided, single submitter. Criteria: Ambry Variant Classification Scheme 2023. Collection method: clinical testing. Allele origin: germline.

PreventionGenetics, part of Exact Sciences
Classification: Likely benign for KIF1B-related condition. Last evaluated: 2022-06-03. Review status: no assertion criteria provided. Collection method: clinical testing. Allele origin: germline. Not counted in ClinVar's aggregate classification.
Comment: This variant is classified as likely benign based on ACMG/AMP sequence variant interpretation guidelines (Richards et al. 2015 PMID: 25741868, with internal and published modifications).

NM_001365951.3(KIF1B):c.4356A>G (p.Thr1452=)

Gene: KIF1B (kinesin family member 1B; plus strand). Cytogenetic location: 1p36.22.
Variant type: single nucleotide variant.
Coding change: c.4356A>G on transcript NM_001365951.3 (MANE Select); coding-DNA position 4356, A replaced by G.
Protein change: p.Thr1452=; no amino-acid change (threonine 1452 retained).
Molecular consequence: synonymous variant.
Genome position (GRCh38, 1-based): chr1:10,363,334, A>G. VCF-style: chr1-10363334-A-G. GRCh37 (hg19) VCF-style: chr1-10423392-A-G.
Other names: c.4356A>G, p.Thr1452= (NM_001365952.1); c.4218A>G, p.Thr1406= (NM_015074.3).
Identifiers: ClinVar variation 699223 (VCV000699223.22), dbSNP rs150358670, ClinGen allele CA582052.
Genomic context (GRCh38, chr1:10,363,334, plus strand): 5'-TTCAAATAGGAATCGAGTCACTGGCATTTACGAACTCAGCTTATGCAAAATGTCAGACAC[A>G]GGTAGTCCAGGTAAGCTCTTGTGGATTGAGGAGGTGATAGTTATCTTTGTGTATGTTTCA-3'
Protein context (NP_001352880.1, residues 1442-1462): YELSLCKMSD[Thr1452=]GSPGMQRRRR